The following is an entry in ClinVar:

NM_014000.3(VCL):c.1177-15C>T

Gene: VCL (vinculin; plus strand). Cytogenetic location: 10q22.2.
Variant type: single nucleotide variant.
Coding change: c.1177-15C>T on transcript NM_014000.3 (MANE Select); 15 bases into the intron before coding-DNA position 1177, C replaced by T.
Molecular consequence: intron variant.
Genome position (GRCh38, 1-based): chr10:74,090,008, C>T. VCF-style: chr10-74090008-C-T. GRCh37 (hg19) VCF-style: chr10-75849766-C-T.
Other names: c.1177-15C>T (NM_003373.4).
Identifiers: ClinVar variation 45574 (VCV000045574.22), dbSNP rs115083446, ClinGen allele CA136681.

ClinVar aggregate classification (germline): Benign/Likely benign. Review status: criteria provided, multiple submitters, no conflicts (2 of 4 stars). 9 submissions from 9 submitters: Benign (5); Likely benign (1). 3 of the submissions do not count toward it. Last evaluated 2026-01-31.

Conditions:
Dilated cardiomyopathy 1W (CMD1W). Identifiers: Orphanet 154, MedGen C1969639, MONDO:0012667, OMIM 611407.

Allele frequency attached by ClinVar (database versions not stated): gnomAD exomes 0.00032 and 0.00086; ExAC 0.00102; ESP Exome Variant Server 0.00277; 1000 Genomes Project 30x 0.00312; 1000 Genomes Project 0.00319; gnomAD 0.00379 and 0.00414; TOPMed 0.00382.
gnomAD v4.1: 1,064 of 1,614,108 alleles (0.066%); highest among the groups gnomAD compares: African/African-American, 1.2%; 2 homozygotes.

Submissions (9):

Labcorp Genetics (formerly Invitae), Labcorp
Classification: Benign for Dilated cardiomyopathy 1W. Last evaluated: 2026-01-31. Review status: criteria provided, single submitter. Criteria: Invitae Variant Classification Sherloc (09022015). Collection method: clinical testing. Allele origin: germline.

Blueprint Genetics
Classification: Likely benign. Last evaluated: 2024-11-05. Review status: criteria provided, single submitter. Criteria: ACMG Guidelines, 2015. Collection method: clinical testing. Allele origin: germline.

ARUP Laboratories, Molecular Genetics and Genomics, ARUP Laboratories
Classification: Benign. Last evaluated: 2023-08-16. Review status: criteria provided, single submitter. Criteria: ARUP Molecular Germline Variant Investigation Process 2024. Collection method: clinical testing. Allele origin: germline.

Women's Health and Genetics/Laboratory Corporation of America, LabCorp
Classification: Benign. Last evaluated: 2020-09-08. Review status: criteria provided, single submitter. Criteria: LabCorp Variant Classification Summary - May 2015. Collection method: clinical testing. Allele origin: germline.
Comment: Variant summary: VCL c.1177-15C>T alters a non-conserved nucleotide located close to a canonical splice site and therefore could affect mRNA splicing, leading to a significantly altered protein sequence. 4/4 computational tools predict no significant impact on normal splicing. However, these predictions have yet to be confirmed by functional studies. The variant allele was found at a frequency of 0.0013 in 282754 control chromosomes, predominantly at a frequency of 0.013 within the African or African-American subpopulation in the gnomAD database, including 1 homozygote. The observed variant frequency within African or African-American control individuals in the gnomAD database is approximately 520 fold of the estimated maximal expected allele frequency for a pathogenic variant in VCL causing Cardiomyopathy phenotype (2.5e-05), strongly suggesting that the variant is a benign polymorphism found primarily in populations of African or African-American origin. To our knowledge, no occurrence of c.1177-15C>T in individuals affected with Cardiomyopathy and no experimental evidence demonstrating its impact on protein function have been reported. One ClinVar submitter (evaluation after 2014) cites the variant as benign. Based on the evidence outlined above, the variant was classified as benign.

Laboratory for Molecular Medicine, Mass General Brigham Personalized Medicine
Classification: Benign. Last evaluated: 2015-07-02. Review status: criteria provided, single submitter. Criteria: LMM Criteria. Collection method: clinical testing. Allele origin: germline. Observed: 10 variant alleles.
Comment: c.1177-15C>T in intron 9 of VCL: This variant is not expected to have clinical s ignificance because it has been identified in 1% (114/10338) of African American chromosomes by the Exome Aggregation Consortium (ExAC; dbSNP rs115083446).

GeneDx
Classification: Benign. Last evaluated: 2013-07-05. Review status: criteria provided, single submitter. Criteria: GeneDx Variant Classification (06012015). Collection method: clinical testing. Allele origin: germline. Affected: yes.
Comment: This variant is considered likely benign or benign based on one or more of the following criteria: it is a conservative change, it occurs at a poorly conserved position in the protein, it is predicted to be benign by multiple in silico algorithms, and/or has population frequency not consistent with disease.

Clinical Genetics DNA and cytogenetics Diagnostics Lab, Erasmus MC, Erasmus Medical Center
Classification: Benign. Review status: no assertion criteria provided. Collection method: clinical testing. Allele origin: germline. Affected: yes. Study: VKGL Data-share Consensus. Not counted in ClinVar's aggregate classification.

Clinical Genetics, Academic Medical Center
Classification: Benign. Review status: no assertion criteria provided. Collection method: clinical testing. Allele origin: germline. Affected: yes. Study: VKGL Data-share Consensus. Not counted in ClinVar's aggregate classification.

Diagnostic Laboratory, Department of Genetics, University Medical Center Groningen
Classification: Likely benign. Review status: no assertion criteria provided. Collection method: clinical testing. Allele origin: germline. Affected: yes. Study: VKGL Data-share Consensus. Not counted in ClinVar's aggregate classification.